The following is an entry in ClinVar:

NM_007194.4(CHEK2):c.1016A>G (p.His339Arg)

Gene: CHEK2 (checkpoint kinase 2; minus strand). Cytogenetic location: 22q12.1.
Variant type: single nucleotide variant.
Coding change: c.1016A>G on transcript NM_007194.4 (MANE Select); coding-DNA position 1016, A replaced by G.
Protein change: p.His339Arg; replaces histidine 339 with arginine.
Molecular consequence: missense variant. On other transcripts: intron variant (3).
Genome position (GRCh38, 1-based): chr22:28,696,980, T>C on the plus strand (A>G on the coding strand, the complement: CHEK2 is on the minus strand). VCF-style: chr22-28696980-T-C. GRCh37 (hg19) VCF-style: chr22-29092968-T-C.
Other names: c.1145A>G, p.His382Arg (NM_001005735.3); c.353A>G, p.His118Arg (NM_001257387.3, NM_001437942.1); c.815A>G, p.His272Arg (NM_001349956.3); c.1109A>G, p.His370Arg (NM_001438293.1); c.1009-1107A>G (NM_145862.3); c.1102-1107A>G (NM_001438295.1); c.1138-1107A>G (NM_001438294.1); short protein forms H339R, H118R, H272R, H382R, H370R.
Identifiers: ClinVar variation 479604 (VCV000479604.17), dbSNP rs1555914365, ClinGen allele CA411097827.

ClinVar aggregate classification (germline): Uncertain significance. Review status: criteria provided, multiple submitters, no conflicts (2 of 4 stars). 3 submissions from 3 submitters: Uncertain significance (3). Last evaluated 2025-10-14.

Conditions:
Familial cancer of breast. Also called: BREAST CANCER, FAMILIAL; Hereditary breast cancer; hereditary breast carcinoma. Identifiers: Orphanet 227535, MedGen C0346153, MONDO:0016419, OMIM 114480. Disease mechanism: loss of function.
Hereditary cancer-predisposing syndrome. Also called: Hereditary Cancer Syndrome; Neoplastic Syndromes, Hereditary; Tumor predisposition; Hereditary neoplastic syndrome. Identifiers: Orphanet 140162, MedGen C0027672, MeSH D009386, MONDO:0015356.

Submissions (3):

Labcorp Genetics (formerly Invitae), Labcorp
Classification: Uncertain significance for Familial cancer of breast. Last evaluated: 2025-10-14. Review status: criteria provided, single submitter. Criteria: Invitae Variant Classification Sherloc (09022015). Collection method: clinical testing. Allele origin: germline.
Comment: This sequence change replaces histidine, which is basic and polar, with arginine, which is basic and polar, at codon 339 of the CHEK2 protein (p.His339Arg). This variant is not present in population databases (gnomAD no frequency). This variant has not been reported in the literature in individuals affected with CHEK2-related conditions. ClinVar contains an entry for this variant (Variation ID: 479604). An algorithm developed to predict the effect of missense changes on protein structure and function (PolyPhen-2) suggests that this variant is likely to be disruptive. In summary, the available evidence is currently insufficient to determine the role of this variant in disease. Therefore, it has been classified as a Variant of Uncertain Significance.

Center for Genomic Medicine, Rigshospitalet, Copenhagen University Hospital
Classification: Uncertain significance. Last evaluated: 2025-03-04. Review status: criteria provided, single submitter. Criteria: ACMG Guidelines, 2015. Collection method: clinical testing. Allele origin: germline.

Ambry Genetics
Classification: Uncertain significance for Hereditary cancer-predisposing syndrome. Last evaluated: 2017-08-30. Review status: criteria provided, single submitter. Criteria: Ambry Variant Classification Scheme 2023. Collection method: clinical testing. Allele origin: germline.
Comment: The p.H339R variant (also known as c.1016A>G), located in coding exon 9 of the CHEK2 gene, results from an A to G substitution at nucleotide position 1016. The histidine at codon 339 is replaced by arginine, an amino acid with highly similar properties. This amino acid position is highly conserved in available vertebrate species. In addition, this alteration is predicted to be deleterious by in silico analysis. Since supporting evidence is limited at this time, the clinical significance of this alteration remains unclear.